The following is an entry in ClinVar:

NM_025144.4(ALPK1):c.463T>C (p.Ser155Pro)

Gene: ALPK1 (alpha kinase 1; plus strand). Cytogenetic location: 4q25.
Variant type: single nucleotide variant.
Coding change: c.463T>C on transcript NM_025144.4 (MANE Select); coding-DNA position 463, T replaced by C.
Protein change: p.Ser155Pro; replaces serine 155 with proline.
Molecular consequence: missense variant.
Genome position (GRCh38, 1-based): chr4:112,412,013, T>C. VCF-style: chr4-112412013-T-C. GRCh37 (hg19) VCF-style: chr4-113333169-T-C.
Other names: c.463T>C, p.Ser155Pro (NM_001102406.2); c.229T>C, p.Ser77Pro (NM_001253884.2); short protein forms S77P, S155P.
Identifiers: ClinVar variation 2792808 (VCV002792808.3), dbSNP rs2476468432, ClinGen allele CA357990812.
Genomic context (GRCh38, chr4:112,412,013, plus strand): 5'-CACAAGTTGCAGCCAGCCACGCCAATTGCCCCGCAGGTGGTTATTCGCCAAGCCCGAATC[T>C]CCGTGAACTCAGGTATGCTCCCTCCTGCTGGCCGCCCCCGCGTCCTCAGTGTCTTCTGGT-3'
Protein context (NP_079420.3, residues 145-165): PQVVIRQARI[Ser155Pro]VNSGKLLKAE

ClinVar aggregate classification (germline): Uncertain significance (1 of 4 stars; one submission).

Submission:

Labcorp Genetics (formerly Invitae), Labcorp
Classification: Uncertain significance. Last evaluated: 2023-10-27. Review status: criteria provided, single submitter. Criteria: Invitae Variant Classification Sherloc (09022015). Collection method: clinical testing. Allele origin: germline.
Comment: This sequence change replaces serine, which is neutral and polar, with proline, which is neutral and non-polar, at codon 155 of the ALPK1 protein (p.Ser155Pro). This variant is not present in population databases (gnomAD no frequency). This variant has not been reported in the literature in individuals affected with ALPK1-related conditions. Advanced modeling of protein sequence and biophysical properties (such as structural, functional, and spatial information, amino acid conservation, physicochemical variation, residue mobility, and thermodynamic stability) performed at Invitae indicates that this missense variant is expected to disrupt ALPK1 protein function with a positive predictive value of 80%. In summary, the available evidence is currently insufficient to determine the role of this variant in disease. Therefore, it has been classified as a Variant of Uncertain Significance.